The following is an entry in ClinVar:

ClinVar aggregate classification (germline): Uncertain significance (1 of 4 stars; one submission).

Allele frequency attached by ClinVar (database versions not stated): ExAC 0.00048; gnomAD 0.00003; 1000 Genomes Project 30x 0.00016.

Submission:

Labcorp Genetics (formerly Invitae), Labcorp
Classification: Uncertain significance. Last evaluated: 2025-03-03. Review status: criteria provided, single submitter. Criteria: Invitae Variant Classification Sherloc (09022015). Collection method: clinical testing. Allele origin: germline.
Comment: This sequence change replaces glutamic acid, which is acidic and polar, with lysine, which is basic and polar, at codon 367 of the SAMD11 protein (p.Glu367Lys). The frequency data for this variant in the population databases is considered unreliable, as metrics indicate poor data quality at this position in the gnomAD database. This variant has not been reported in the literature in individuals affected with SAMD11-related conditions. ClinVar contains an entry for this variant (Variation ID: 1952089). An algorithm developed to predict the effect of missense changes on protein structure and function (PolyPhen-2) suggests that this variant is likely to be disruptive. In summary, the available evidence is currently insufficient to determine the role of this variant in disease. Therefore, it has been classified as a Variant of Uncertain Significance.

NM_001385641.1(SAMD11):c.1588G>A (p.Glu530Lys)

Gene: SAMD11 (sterile alpha motif domain containing 11; plus strand). Cytogenetic location: 1p36.33.
Variant type: single nucleotide variant.
Coding change: c.1588G>A on transcript NM_001385641.1 (MANE Select); coding-DNA position 1588, G replaced by A.
Protein change: p.Glu530Lys; replaces glutamic acid 530 with lysine.
Molecular consequence: missense variant.
Genome position (GRCh38, 1-based): chr1:942,593, G>A. VCF-style: chr1-942593-G-A. GRCh37 (hg19) VCF-style: chr1-877973-G-A.
Other names: c.1591G>A, p.Glu531Lys (NM_001385640.1); c.1099G>A, p.Glu367Lys (NM_152486.4); short protein forms E367K, E531K, E530K.
Identifiers: ClinVar variation 1952089 (VCV001952089.5), dbSNP rs757148458, ClinGen allele CA502972.